The following is an entry in ClinVar:

NM_007194.4(CHEK2):c.307T>C (p.Phe103Leu)

Gene: CHEK2 (checkpoint kinase 2; minus strand). Cytogenetic location: 22q12.1.
Variant type: single nucleotide variant.
Coding change: c.307T>C on transcript NM_007194.4 (MANE Select); coding-DNA position 307, T replaced by C.
Protein change: p.Phe103Leu; replaces phenylalanine 103 with leucine.
Molecular consequence: missense variant.
Genome position (GRCh38, 1-based): chr22:28,734,415, A>G on the plus strand (T>C on the coding strand, the complement: CHEK2 is on the minus strand). VCF-style: chr22-28734415-A-G. GRCh37 (hg19) VCF-style: chr22-29130403-A-G.
Other names: c.307T>C, p.Phe103Leu (NM_145862.3, NM_001005735.3, NM_001349956.3); c.-471T>C (NM_001257387.3); short protein forms F103L.
Identifiers: ClinVar variation 141340 (VCV000141340.25), dbSNP rs587781669, ClinGen allele CA165150.

ClinVar aggregate classification (germline): Uncertain significance. Review status: criteria provided, multiple submitters, no conflicts (2 of 4 stars). 6 submissions from 6 submitters: Uncertain significance (6). Last evaluated 2026-02-18.

Conditions:
CHEK2-related disorder.
Hereditary cancer-predisposing syndrome. Also called: Tumor predisposition; Neoplastic Syndromes, Hereditary; Hereditary neoplastic syndrome; Hereditary Cancer Syndrome. Identifiers: Orphanet 140162, MedGen C0027672, MeSH D009386, MONDO:0015356.
Familial cancer of breast. Also called: BREAST CANCER, FAMILIAL; Hereditary breast cancer; hereditary breast carcinoma. Identifiers: Orphanet 227535, MedGen C0346153, MONDO:0016419, OMIM 114480. Disease mechanism: loss of function.

Allele frequency attached by ClinVar (database versions not stated): gnomAD exomes below 0.00001; gnomAD 0.00001; TOPMed 0.00001.
gnomAD v4.1: 4 of 1,613,888 alleles (0.00025%); highest among the groups gnomAD compares: Non-Finnish European, 0.00034%; no homozygotes.

Submissions (6):

PreventionGenetics, part of Exact Sciences
Classification: Uncertain significance for CHEK2-related condition. Last evaluated: 2026-02-18. Review status: criteria provided, single submitter. Criteria: ACMG Guidelines, 2015. Collection method: clinical testing. Allele origin: germline.
Comment: The CHEK2 c.307T>C variant is predicted to result in the amino acid substitution p.Phe103Leu. This variant has been detected in three alleles in two cohorts of individuals affected with breast cancer (Table S3, Hauke et al. 2018. PubMed ID: 29522266; Table S1, Stolarova et al. 2023. PubMed ID: 37449874). In experimental studies this variant performed similarly to the wild type protein and showed no impact on KAP1 phosphorylation and intermediate impact on CHEK2 autophosphorylation (Delimitsou et al. 2019. PubMed ID: 30851065; Table S1, Stolarova et al. 2023. PubMed ID: 37449874). This variant has not been reported in a large population database (gnomAD), indicating this variant is rare. This variant is interpreted as variant of uncertain significance in ClinVar (Variation ID: 141340). At this time, the clinical significance of this variant is uncertain due to the absence of conclusive functional and genetic evidence.

Labcorp Genetics (formerly Invitae), Labcorp
Classification: Uncertain significance for Familial cancer of breast. Last evaluated: 2025-10-09. Review status: criteria provided, single submitter. Criteria: Invitae Variant Classification Sherloc (09022015). Collection method: clinical testing. Allele origin: germline.
Comment: This sequence change replaces phenylalanine, which is neutral and non-polar, with leucine, which is neutral and non-polar, at codon 103 of the CHEK2 protein (p.Phe103Leu). This variant is not present in population databases (gnomAD no frequency). This missense change has been observed in individual(s) with breast cancer (PMID: 29522266). ClinVar contains an entry for this variant (Variation ID: 141340). An algorithm developed to predict the effect of missense changes on protein structure and function (PolyPhen-2) suggests that this variant is likely to be disruptive. Experimental studies are conflicting or provide insufficient evidence to determine the effect of this variant on CHEK2 function (PMID: 30851065, 37449874). In summary, the available evidence is currently insufficient to determine the role of this variant in disease. Therefore, it has been classified as a Variant of Uncertain Significance.

Ambry Genetics
Classification: Uncertain significance for Hereditary cancer-predisposing syndrome. Last evaluated: 2025-05-19. Review status: criteria provided, single submitter. Criteria: Ambry Variant Classification Scheme 2023. Collection method: clinical testing. Allele origin: germline.
Comment: The p.F103L variant (also known as c.307T>C), located in coding exon 1 of the CHEK2 gene, results from a T to C substitution at nucleotide position 307. The phenylalanine at codon 103 is replaced by leucine, an amino acid with highly similar properties. In one study, this alteration was detected in 1/5589 individuals diagnosed with breast cancer (Hauke J et al. Cancer Med, 2018 04;7:1349-1358). This alteration behaved as functional in an in vivo, yeast-based growth rate assay (Delimitsou A et al. Hum Mutat, 2019 05;40:631-648). This amino acid position is highly conserved in available vertebrate species. In addition, this alteration is predicted to be deleterious by in silico analysis. Based on the available evidence, the clinical significance of this variant remains unclear.

GeneDx
Classification: Uncertain significance. Last evaluated: 2024-12-04. Review status: criteria provided, single submitter. Criteria: GeneDx Variant Classification Process June 2021. Collection method: clinical testing. Allele origin: germline. Affected: yes.
Comment: Not observed at significant frequency in large population cohorts (gnomAD); In silico analysis supports that this missense variant has a deleterious effect on protein structure/function; This variant is associated with the following publications: (PMID: 24884479, 29522266, 22419737, 19782031, 30851065, 37449874)

Color Diagnostics, LLC DBA Color Health
Classification: Uncertain significance for Hereditary cancer-predisposing syndrome. Last evaluated: 2024-01-10. Review status: criteria provided, single submitter. Criteria: ACMG Guidelines, 2015. Collection method: clinical testing. Allele origin: germline.
Comment: This missense variant replaces phenylalanine with leucine at codon 103 of the CHEK2 protein. Computational prediction is inconclusive regarding the impact of this variant on protein structure and function (internally defined REVEL score threshold 0.5 < inconclusive < 0.7, PMID: 27666373). An experimental functional study demonstrated this variant to be neutral in a yeast based DNA damage repair assay (PMID 30851065) and a complementation study in human cells showed no impact on KAP1 phosphorylation and intermediate impact on CHEK2 autophosphorylation (PMID: 37449874). This variant has been reported in at least two individuals affected with breast cancer (PMID: 29522266, 37449874). This variant has not been identified in the general population by the Genome Aggregation Database (gnomAD). The available evidence is insufficient to determine the role of this variant in disease conclusively. Therefore, this variant is classified as a Variant of Uncertain Significance.

Quest Diagnostics Nichols Institute San Juan Capistrano
Classification: Uncertain significance. Last evaluated: 2020-12-14. Review status: criteria provided, single submitter. Criteria: Quest Diagnostics criteria. Collection method: clinical testing. Allele origin: unknown.

Literature cited by the submitters: PubMed 29522266 (cited by 3 submitters); PubMed 30851065 (cited by 4 submitters); PubMed 37449874 (cited by Labcorp Genetics (formerly Invitae), Labcorp and Color Diagnostics, LLC DBA Color Health).